The following is an entry in ClinVar:

ClinVar aggregate classification (germline): Conflicting classifications of pathogenicity. Review status: criteria provided, conflicting classifications (1 of 4 stars). 3 submissions from 3 submitters: Uncertain significance (2); Likely benign (1). Last evaluated 2026-01-12.

Conditions:
Cardiomyopathy (CMYO). Also called: Cardiomyopathies. Identifiers: Orphanet 167848, MedGen C0878544, MONDO:0004994, HP:0001638. Inheritance: Various modes of inheritance.
TTN-related disorder. Also called: TTN-related condition; TTN-related disease; TTN-related disorders.

Allele frequency attached by ClinVar (database versions not stated): gnomAD 0.00001; TOPMed 0.00002.
gnomAD v4.1: 27 of 1,613,842 alleles (0.0017%); highest among the groups gnomAD compares: Non-Finnish European, 0.0022%; no homozygotes.

Submissions (3):

PreventionGenetics, part of Exact Sciences
Classification: Uncertain significance for TTN-related condition. Last evaluated: 2026-01-12. Review status: criteria provided, single submitter. Criteria: ACMG Guidelines, 2015. Collection method: clinical testing. Allele origin: germline.
Comment: The TTN c.88675G>C variant is predicted to result in the amino acid substitution p.Ala29559Pro. To our knowledge, this variant has not been reported in the literature. This variant is reported in 0.0016% of alleles in individuals of European (Non-Finnish) descent in gnomAD. At this time, the clinical significance of this variant is uncertain due to the absence of conclusive functional and genetic evidence.

CHEO Genetics Diagnostic Laboratory, Children's Hospital of Eastern Ontario
Classification: Likely benign for Cardiomyopathy. Last evaluated: 2022-10-11. Review status: criteria provided, single submitter. Criteria: ACMG Guidelines, 2015. Collection method: clinical testing. Allele origin: germline.

Revvity Omics, Revvity
Classification: Uncertain significance. Last evaluated: 2021-09-11. Review status: criteria provided, single submitter. Criteria: ACMG Guidelines, 2015. Collection method: clinical testing. Allele origin: germline.

NM_001267550.2(TTN):c.88675G>C (p.Ala29559Pro)

Genes: TTN (titin; minus strand), TTN-AS1 (TTN antisense RNA 1; plus strand). Cytogenetic location: 2q31.2.
Variant type: single nucleotide variant.
Coding change: c.88675G>C on transcript NM_001267550.2 (MANE Select); coding-DNA position 88675, G replaced by C.
Protein change: p.Ala29559Pro; replaces alanine 29559 with proline.
Molecular consequence: missense variant.
Genome position (GRCh38, 1-based): chr2:178,554,672, C>G on the plus strand (G>C on the coding strand, the complement: TTN is on the minus strand). VCF-style: chr2-178554672-C-G. GRCh37 (hg19) VCF-style: chr2-179419399-C-G.
Other names: c.83752G>C, p.Ala27918Pro (NM_001256850.1); c.61480G>C, p.Ala20494Pro (NM_003319.4); c.80971G>C, p.Ala26991Pro (NM_133378.4); c.61855G>C, p.Ala20619Pro (NM_133432.3); c.62056G>C, p.Ala20686Pro (NM_133437.4); short protein forms A20494P, A20619P, A20686P, A26991P, A27918P, A29559P.
Identifiers: ClinVar variation 2438154 (VCV002438154.5), dbSNP rs748038054, ClinGen allele CA60980071.
Genomic context (GRCh38, chr2:178,554,672, plus strand): 5'-CGCGGCTTGTCTCACGCTTTTCCACAATGTAGTGAGTGATTTTTGCACCACCATCATCAG[C>G]TGGAGGCCGCCAGAGAAGGGTGATCTTCTCAGCAGTTACAGTCTTAAATTCAATTGGTCC-3'
Protein context (NP_001254479.2, residues 29549-29569): EKITLLWRPP[Ala29559Pro]DDGGAKITHY